The following is an entry in ClinVar:

ClinVar aggregate classification (germline): Uncertain significance (1 of 4 stars; one submission).

Conditions:
Cardiovascular phenotype. Identifiers: MedGen CN230736.

gnomAD v4.1: 6 of 1,613,344 alleles (0.00037%); highest among the groups gnomAD compares: Non-Finnish European, 0.00042%; no homozygotes.

Submission:

Ambry Genetics
Classification: Uncertain significance for Cardiovascular phenotype. Last evaluated: 2020-02-19. Review status: criteria provided, single submitter. Criteria: Ambry Variant Classification Scheme 2023. Collection method: clinical testing. Allele origin: germline.
Comment: The p.S1402R variant (also known as c.4206T>G), located in coding exon 34 of the ANK2 gene, results from a T to G substitution at nucleotide position 4206. The serine at codon 1402 is replaced by arginine, an amino acid with dissimilar properties. This amino acid position is highly conserved in available vertebrate species. In addition, the in silico prediction for this alteration is inconclusive. Since supporting evidence is limited at this time, the clinical significance of this alteration remains unclear.

NM_001148.6(ANK2):c.4206T>G (p.Ser1402Arg)

Gene: ANK2 (ankyrin 2; plus strand). Cytogenetic location: 4q26.
Variant type: single nucleotide variant.
Coding change: c.4206T>G on transcript NM_001148.6 (MANE Select); coding-DNA position 4206, T replaced by G.
Protein change: p.Ser1402Arg; replaces serine 1402 with arginine.
Molecular consequence: missense variant.
Genome position (GRCh38, 1-based): chr4:113,343,100, T>G. VCF-style: chr4-113343100-T-G. GRCh37 (hg19) VCF-style: chr4-114264256-T-G.
Other names: c.3723T>G, p.Ser1241Arg (NM_001386158.1); c.4050T>G, p.Ser1350Arg (NM_001386160.1); c.4140T>G, p.Ser1380Arg (NM_001386161.1, NM_001354244.2, NM_001354256.2); c.4020T>G, p.Ser1340Arg (NM_001386162.1, NM_001354249.2, NM_001354266.2 and 6 more transcripts); c.606T>G, p.Ser202Arg (NM_001386166.1, NM_001386167.1); c.4347T>G, p.Ser1449Arg (NM_001386174.1); c.4323T>G, p.Ser1441Arg (NM_001386175.1); c.4191T>G, p.Ser1397Arg (NM_001386186.2, NM_001386148.2); and 31 more; short protein forms S1327R, S1348R, S1397R, S1401R, S1428R, S202R, S590R, S1302R.
Identifiers: ClinVar variation 1738691 (VCV001738691.2), dbSNP rs769675138, ClinGen allele CA357911380.